The following is an entry in ClinVar:

ClinVar aggregate classification (germline): Uncertain significance (1 of 4 stars; one submission).

Conditions:
Sulfite oxidase deficiency due to molybdenum cofactor deficiency type A. Also called: Molybdenum Cofactor Deficiency A; Molybdenum cofactor deficiency, complementation group A. Identifiers: Orphanet 308386, Orphanet 833, MedGen C1854988, MONDO:0009643, OMIM 252150.

Allele frequency attached by ClinVar (database versions not stated): gnomAD exomes below 0.00001.
gnomAD v4.1: 2 of 1,613,400 alleles (0.00012%); highest among the groups gnomAD compares: Non-Finnish European, 0.00017%; no homozygotes.

Submission:

Labcorp Genetics (formerly Invitae), Labcorp
Classification: Uncertain significance for Molybdenum cofactor deficiency, complementation group A. Last evaluated: 2019-10-24. Review status: criteria provided, single submitter. Criteria: Invitae Variant Classification Sherloc (09022015). Collection method: clinical testing. Allele origin: germline.
Comment: This sequence change replaces leucine with methionine at codon 182 of the MOCS1 protein (p.Leu182Met). The leucine residue is highly conserved and there is a small physicochemical difference between leucine and methionine. This variant is not present in population databases (ExAC no frequency). This variant has not been reported in the literature in individuals with MOCS1-related conditions. Algorithms developed to predict the effect of missense changes on protein structure and function are either unavailable or do not agree on the potential impact of this missense change (SIFT: "Deleterious"; PolyPhen-2: "Probably Damaging"; Align-GVGD: "Class C0"). In summary, the available evidence is currently insufficient to determine the role of this variant in disease. Therefore, it has been classified as a Variant of Uncertain Significance.

NM_001358530.2(MOCS1):c.544C>A (p.Leu182Met)

Gene: MOCS1 (molybdenum cofactor synthesis 1; minus strand). Cytogenetic location: 6p21.2.
Variant type: single nucleotide variant.
Coding change: c.544C>A on transcript NM_001358530.2 (MANE Select); coding-DNA position 544, C replaced by A.
Protein change: p.Leu182Met; replaces leucine 182 with methionine.
Molecular consequence: missense variant. On other transcripts: non-coding transcript variant (1).
Genome position (GRCh38, 1-based): chr6:39,916,107, G>T on the plus strand (C>A on the coding strand, the complement: MOCS1 is on the minus strand). VCF-style: chr6-39916107-G-T. GRCh37 (hg19) VCF-style: chr6-39883851-G-T.
Other names: c.544C>A, p.Leu182Met (NM_001075098.4, NM_001358529.2, NM_005943.6); c.283C>A, p.Leu95Met (NM_001358531.2, NM_001358533.2, NM_001358534.2); short protein forms L182M, L95M.
Identifiers: ClinVar variation 961670 (VCV000961670.1), dbSNP rs1767642521, ClinGen allele CA364044356.